The following is an entry in ClinVar:

ClinVar aggregate classification (germline): Uncertain significance. Review status: criteria provided, multiple submitters, no conflicts (2 of 4 stars). 2 submissions from 2 submitters: Uncertain significance (2). Last evaluated 2026-03-02.

Conditions:
EGFR-related lung cancer (EGFR). Identifiers: MedGen CN130014.
Hereditary cancer-predisposing syndrome. Also called: Neoplastic Syndromes, Hereditary; Hereditary Cancer Syndrome; Hereditary neoplastic syndrome; Tumor predisposition. Identifiers: Orphanet 140162, MedGen C0027672, MeSH D009386, MONDO:0015356.

Submissions (2):

Ambry Genetics
Classification: Uncertain significance for Hereditary cancer-predisposing syndrome. Last evaluated: 2026-03-02. Review status: criteria provided, single submitter. Criteria: Ambry Variant Classification Scheme 2023. Collection method: clinical testing. Allele origin: germline.
Comment: The p.A702G variant (also known as c.2105C>G), located in coding exon 18 of the EGFR gene, results from a C to G substitution at nucleotide position 2105. The alanine at codon 702 is replaced by glycine, an amino acid with similar properties. This amino acid position is highly conserved in available vertebrate species. In addition, the in silico prediction for this alteration is inconclusive. Based on the available evidence, the clinical significance of this variant remains unclear.

Labcorp Genetics (formerly Invitae), Labcorp
Classification: Uncertain significance for EGFR-related lung cancer. Last evaluated: 2025-09-04. Review status: criteria provided, single submitter. Criteria: Invitae Variant Classification Sherloc (09022015). Collection method: clinical testing. Allele origin: germline.
Comment: This sequence change replaces alanine, which is neutral and non-polar, with glycine, which is neutral and non-polar, at codon 702 of the EGFR protein (p.Ala702Gly). This variant is not present in population databases (gnomAD no frequency). This variant has not been reported in the literature in individuals affected with EGFR-related conditions. ClinVar contains an entry for this variant (Variation ID: 3607255). Invitae Evidence Modeling of protein sequence and biophysical properties (such as structural, functional, and spatial information, amino acid conservation, physicochemical variation, residue mobility, and thermodynamic stability) indicates that this missense variant is expected to disrupt EGFR protein function with a positive predictive value of 80%. In summary, the available evidence is currently insufficient to determine the role of this variant in disease. Therefore, it has been classified as a Variant of Uncertain Significance.

NM_005228.5(EGFR):c.2105C>G (p.Ala702Gly)

Gene: EGFR (epidermal growth factor receptor; plus strand). Cytogenetic location: 7p11.2.
Variant type: single nucleotide variant.
Coding change: c.2105C>G on transcript NM_005228.5 (MANE Select); coding-DNA position 2105, C replaced by G.
Protein change: p.Ala702Gly; replaces alanine 702 with glycine.
Molecular consequence: missense variant.
Genome position (GRCh38, 1-based): chr7:55,173,964, C>G. VCF-style: chr7-55173964-C-G. GRCh37 (hg19) VCF-style: chr7-55241657-C-G.
Other names: c.1970C>G, p.Ala657Gly (NM_001346897.2, NM_001346899.2); c.2105C>G, p.Ala702Gly (NM_001346898.2); c.1946C>G, p.Ala649Gly (NM_001346900.2); c.1304C>G, p.Ala435Gly (NM_001346941.2); short protein forms A435G, A649G, A657G, A702G.
Identifiers: ClinVar variation 3607255 (VCV003607255.3).